The following is an entry in ClinVar:

ClinVar aggregate classification (germline): Uncertain significance (1 of 4 stars; one submission).

Allele frequency attached by ClinVar (database versions not stated): gnomAD exomes below 0.00001; TOPMed below 0.00001; gnomAD 0.00001.
gnomAD v4.1: 2 of 1,534,806 alleles (0.00013%); highest among the groups gnomAD compares: Non-Finnish European, 0.00017%; no homozygotes.

Submission:

Labcorp Genetics (formerly Invitae), Labcorp
Classification: Uncertain significance. Last evaluated: 2022-09-07. Review status: criteria provided, single submitter. Criteria: Invitae Variant Classification Sherloc (09022015). Collection method: clinical testing. Allele origin: germline.
Comment: This sequence change replaces lysine, which is basic and polar, with threonine, which is neutral and polar, at codon 877 of the LOXHD1 protein (p.Lys877Thr). This variant is not present in population databases (gnomAD no frequency). This missense change has been observed in individual(s) with deafness (Invitae). In at least one individual the data is consistent with being in trans (on the opposite chromosome) from a pathogenic variant. Algorithms developed to predict the effect of missense changes on protein structure and function are either unavailable or do not agree on the potential impact of this missense change (SIFT: "Deleterious"; PolyPhen-2: "Benign"; Align-GVGD: "Class C0"). In summary, the available evidence is currently insufficient to determine the role of this variant in disease. Therefore, it has been classified as a Variant of Uncertain Significance.

NM_001384474.1(LOXHD1):c.2630A>C (p.Lys877Thr)

Gene: LOXHD1 (lipoxygenase homology PLAT domains 1; minus strand). Cytogenetic location: 18q21.1.
Variant type: single nucleotide variant.
Coding change: c.2630A>C on transcript NM_001384474.1 (MANE Select); coding-DNA position 2630, A replaced by C.
Protein change: p.Lys877Thr; replaces lysine 877 with threonine.
Molecular consequence: missense variant.
Genome position (GRCh38, 1-based): chr18:46,560,514, T>G on the plus strand (A>C on the coding strand, the complement: LOXHD1 is on the minus strand). VCF-style: chr18-46560514-T-G. GRCh37 (hg19) VCF-style: chr18-44140477-T-G.
Other names: c.2630A>C, p.Lys877Thr (NM_144612.7); short protein forms K877T.
Identifiers: ClinVar variation 2097896 (VCV002097896.4), dbSNP rs1428371244, ClinGen allele CA402371909.